The following is an entry in ClinVar:

ClinVar aggregate classification (germline): Uncertain significance (1 of 4 stars; one submission).

Conditions:
Cardiovascular phenotype. Identifiers: MedGen CN230736.
Hereditary cancer-predisposing syndrome. Also called: Tumor predisposition; Neoplastic Syndromes, Hereditary; Hereditary neoplastic syndrome; Hereditary Cancer Syndrome. Identifiers: Orphanet 140162, MedGen C0027672, MeSH D009386, MONDO:0015356.

Submission:

Ambry Genetics
Classification: Uncertain significance for Cardiovascular phenotype; Hereditary cancer-predisposing syndrome. Last evaluated: 2025-09-01. Review status: criteria provided, single submitter. Criteria: Ambry Variant Classification Scheme 2023. Collection method: clinical testing. Allele origin: germline.
Comment: The p.E618Q variant (also known as c.1852G>C), located in coding exon 16 of the LZTR1 gene, results from a G to C substitution at nucleotide position 1852. The glutamic acid at codon 618 is replaced by glutamine, an amino acid with highly similar properties. This amino acid position is conserved. In addition, the in silico prediction for this alteration is inconclusive. Based on the available evidence, the clinical significance of this variant remains unclear.

NM_006767.4(LZTR1):c.1852G>C (p.Glu618Gln)

Gene: LZTR1 (leucine zipper like post translational regulator 1; plus strand). Cytogenetic location: 22q11.21.
Variant type: single nucleotide variant.
Coding change: c.1852G>C on transcript NM_006767.4 (MANE Select); coding-DNA position 1852, G replaced by C.
Protein change: p.Glu618Gln; replaces glutamic acid 618 with glutamine.
Molecular consequence: missense variant.
Genome position (GRCh38, 1-based): chr22:20,994,936, G>C. VCF-style: chr22-20994936-G-C. GRCh37 (hg19) VCF-style: chr22-21349225-G-C.
Other names: short protein forms E618Q.
Identifiers: ClinVar variation 4101829 (VCV004101829.1).